The following is an entry in ClinVar:

ClinVar aggregate classification (germline): Uncertain significance (1 of 4 stars; one submission).

Conditions:
Cryopyrin associated periodic syndrome (CAPS). Identifiers: Orphanet 208650, MedGen C2316212, MONDO:0016168.

Submission:

Labcorp Genetics (formerly Invitae), Labcorp
Classification: Uncertain significance for Cryopyrin associated periodic syndrome. Last evaluated: 2023-08-30. Review status: criteria provided, single submitter. Criteria: Invitae Variant Classification Sherloc (09022015). Collection method: clinical testing. Allele origin: germline.
Comment: This variant has not been reported in the literature in individuals affected with NLRP3-related conditions. This sequence change replaces phenylalanine, which is neutral and non-polar, with valine, which is neutral and non-polar, at codon 668 of the NLRP3 protein (p.Phe668Val). This variant is not present in population databases (gnomAD no frequency). ClinVar contains an entry for this variant (Variation ID: 1499926). Advanced modeling of protein sequence and biophysical properties (such as structural, functional, and spatial information, amino acid conservation, physicochemical variation, residue mobility, and thermodynamic stability) performed at Invitae indicates that this missense variant is expected to disrupt NLRP3 protein function. In summary, the available evidence is currently insufficient to determine the role of this variant in disease. Therefore, it has been classified as a Variant of Uncertain Significance.

NM_001243133.2(NLRP3):c.1996T>G (p.Phe666Val)

Gene: NLRP3 (NLR family pyrin domain containing 3; plus strand). Cytogenetic location: 1q44.
Variant type: single nucleotide variant.
Coding change: c.1996T>G on transcript NM_001243133.2 (MANE Select); coding-DNA position 1996, T replaced by G.
Protein change: p.Phe666Val; replaces phenylalanine 666 with valine.
Molecular consequence: missense variant.
Genome position (GRCh38, 1-based): chr1:247,425,445, T>G. VCF-style: chr1-247425445-T-G. GRCh37 (hg19) VCF-style: chr1-247588747-T-G.
Other names: c.1996T>G, p.Phe666Val (NM_001079821.3, NM_001127461.3, NM_001127462.3 and 1 more transcripts); c.2002T>G, p.Phe668Val (NM_004895.5); short protein forms F666V, F668V.
Identifiers: ClinVar variation 1499926 (VCV001499926.8), dbSNP rs2103113519, ClinGen allele CA345558429.